The following is an entry in ClinVar:

NM_024422.6(DSC2):c.1296C>G (p.Ile432Met)

Gene: DSC2 (desmocollin 2; minus strand). Cytogenetic location: 18q12.1.
Variant type: single nucleotide variant.
Coding change: c.1296C>G on transcript NM_024422.6 (MANE Select); coding-DNA position 1296, C replaced by G.
Protein change: p.Ile432Met; replaces isoleucine 432 with methionine.
Molecular consequence: missense variant.
Genome position (GRCh38, 1-based): chr18:31,080,320, G>C on the plus strand (C>G on the coding strand, the complement: DSC2 is on the minus strand). VCF-style: chr18-31080320-G-C. GRCh37 (hg19) VCF-style: chr18-28660286-G-C.
Other names: c.867C>G, p.Ile289Met (NM_001406506.1, NM_001406507.1); c.1296C>G, p.Ile432Met (NM_004949.5); short protein forms I432M, I289M.
Identifiers: ClinVar variation 2188406 (VCV002188406.4), dbSNP rs1987175670, ClinGen allele CA402108905.

ClinVar aggregate classification (germline): Uncertain significance (1 of 4 stars; one submission).

Conditions:
Arrhythmogenic right ventricular dysplasia 11. Also called: Arrhythmogenic right ventricular dysplasia 11 with mild palmoplantar keratoderma and woolly hair; Arrhythmogenic Right Ventricular Dysplasia/Cardiomyopathy11; ARRHYTHMOGENIC RIGHT VENTRICULAR DYSPLASIA, FAMILIAL, 11. Identifiers: MedGen C1864850, MONDO:0012506, OMIM 610476.

Allele frequency attached by ClinVar (database versions not stated): gnomAD exomes below 0.00001; TOPMed 0.00001.
gnomAD v4.1: 2 of 1,613,950 alleles (0.00012%); highest among the groups gnomAD compares: Admixed American, 0.0017%; no homozygotes.

Submission:

Labcorp Genetics (formerly Invitae), Labcorp
Classification: Uncertain significance for Arrhythmogenic right ventricular dysplasia 11. Last evaluated: 2021-12-07. Review status: criteria provided, single submitter. Criteria: Invitae Variant Classification Sherloc (09022015). Collection method: clinical testing. Allele origin: germline.
Comment: This sequence change replaces isoleucine, which is neutral and non-polar, with methionine, which is neutral and non-polar, at codon 432 of the DSC2 protein (p.Ile432Met). In summary, the available evidence is currently insufficient to determine the role of this variant in disease. Therefore, it has been classified as a Variant of Uncertain Significance. Algorithms developed to predict the effect of missense changes on protein structure and function are either unavailable or do not agree on the potential impact of this missense change (SIFT: "Tolerated"; PolyPhen-2: "Possibly Damaging"; Align-GVGD: "Class C0"). This variant has not been reported in the literature in individuals affected with DSC2-related conditions. This variant is not present in population databases (gnomAD no frequency).